The following is an entry in ClinVar:

NM_022124.6(CDH23):c.2289C>G (p.Thr763=)

Gene: CDH23 (cadherin related 23; plus strand). Cytogenetic location: 10q22.1.
Variant type: single nucleotide variant.
Coding change: c.2289C>G on transcript NM_022124.6 (MANE Select); coding-DNA position 2289, C replaced by G.
Protein change: p.Thr763=; no amino-acid change (threonine 763 retained).
Molecular consequence: synonymous variant.
Genome position (GRCh38, 1-based): chr10:71,694,259, C>G. VCF-style: chr10-71694259-C-G. GRCh37 (hg19) VCF-style: chr10-73454016-C-G.
Other names: c.2289C>G, p.Thr763= (NM_001171930.2, NM_001171931.2).
Identifiers: ClinVar variation 4768416 (VCV004768416.1).

ClinVar aggregate classification (germline): Uncertain significance (1 of 4 stars; one submission).

gnomAD v4.1: 2 of 1,608,956 alleles (0.00012%); highest among the groups gnomAD compares: Non-Finnish European, 0.00017%; no homozygotes.

Submission:

Labcorp Genetics (formerly Invitae), Labcorp
Classification: Uncertain significance. Last evaluated: 2025-09-19. Review status: criteria provided, single submitter. Criteria: Invitae Variant Classification Sherloc (09022015). Collection method: clinical testing. Allele origin: germline.
Comment: This sequence change affects codon 763 of the CDH23 mRNA. It is a 'silent' change, meaning that it does not change the encoded amino acid sequence of the CDH23 protein. It affects a nucleotide within the consensus splice site. This variant is not present in population databases (gnomAD no frequency). This variant has not been reported in the literature in individuals affected with CDH23-related conditions. Algorithms developed to predict the effect of sequence changes on RNA splicing suggest that this variant is not likely to affect RNA splicing. In summary, the available evidence is currently insufficient to determine the role of this variant in disease. Therefore, it has been classified as a Variant of Uncertain Significance.